The following is an entry in ClinVar:

NM_001903.5(CTNNA1):c.268C>T (p.Leu90Phe)

Gene: CTNNA1 (catenin alpha 1; plus strand). Cytogenetic location: 5q31.2.
Variant type: single nucleotide variant.
Coding change: c.268C>T on transcript NM_001903.5 (MANE Select); coding-DNA position 268, C replaced by T.
Protein change: p.Leu90Phe; replaces leucine 90 with phenylalanine.
Molecular consequence: missense variant. On other transcripts: intron variant (2).
Genome position (GRCh38, 1-based): chr5:138,783,339, C>T. VCF-style: chr5-138783339-C-T. GRCh37 (hg19) VCF-style: chr5-138119028-C-T.
Other names: c.268C>T, p.Leu90Phe (NM_001290307.3, NM_001323982.2, NM_001323983.1 and 3 more transcripts); c.-6+67C>T (NM_001290310.3); c.-9+1310C>T (NM_001290309.3); c.268C>T (NM_001903.2); short protein forms L90F.
Identifiers: ClinVar variation 2104017 (VCV002104017.5), dbSNP rs749453442, ClinGen allele CA3431390.

ClinVar aggregate classification (germline): Uncertain significance. Review status: criteria provided, multiple submitters, no conflicts (2 of 4 stars). 2 submissions from 2 submitters: Uncertain significance (2). Last evaluated 2025-01-27.

Conditions:
Hereditary cancer-predisposing syndrome. Also called: Hereditary Cancer Syndrome; Tumor predisposition; Neoplastic Syndromes, Hereditary; Hereditary neoplastic syndrome. Identifiers: Orphanet 140162, MedGen C0027672, MeSH D009386, MONDO:0015356.

Allele frequency attached by ClinVar (database versions not stated): gnomAD exomes below 0.00001; ExAC 0.00001.
gnomAD v4.1: 1 of 1,613,974 alleles (0.000062%); highest among the groups gnomAD compares: Admixed American, 0.0017%; no homozygotes.

Submissions (2):

Labcorp Genetics (formerly Invitae), Labcorp
Classification: Uncertain significance. Last evaluated: 2025-01-27. Review status: criteria provided, single submitter. Criteria: Invitae Variant Classification Sherloc (09022015). Collection method: clinical testing. Allele origin: germline.
Comment: This sequence change replaces leucine, which is neutral and non-polar, with phenylalanine, which is neutral and non-polar, at codon 90 of the CTNNA1 protein (p.Leu90Phe). This variant is present in population databases (rs749453442, gnomAD 0.006%). This variant has not been reported in the literature in individuals affected with CTNNA1-related conditions. ClinVar contains an entry for this variant (Variation ID: 2104017). Invitae Evidence Modeling of protein sequence and biophysical properties (such as structural, functional, and spatial information, amino acid conservation, physicochemical variation, residue mobility, and thermodynamic stability) indicates that this missense variant is not expected to disrupt CTNNA1 protein function with a negative predictive value of 80%. In summary, the available evidence is currently insufficient to determine the role of this variant in disease. Therefore, it has been classified as a Variant of Uncertain Significance.

Ambry Genetics
Classification: Uncertain significance for Hereditary cancer-predisposing syndrome. Last evaluated: 2024-04-01. Review status: criteria provided, single submitter. Criteria: Ambry Variant Classification Scheme 2023. Collection method: clinical testing. Allele origin: germline.
Comment: The p.L90F variant (also known as c.268C>T), located in coding exon 2 of the CTNNA1 gene, results from a C to T substitution at nucleotide position 268. The leucine at codon 90 is replaced by phenylalanine, an amino acid with highly similar properties. This amino acid position is conserved. In addition, this alteration is predicted to be deleterious by in silico analysis. Based on the available evidence, the clinical significance of this alteration remains unclear.